The following is an entry in ClinVar:

NM_173651.4(FSIP2):c.2620A>T (p.Ser874Cys)

Genes: FSIP2 (fibrous sheath interacting protein 2; plus strand), FSIP2-AS1 (FSIP2 antisense RNA 1; minus strand). Cytogenetic location: 2q32.1.
Variant type: single nucleotide variant.
Coding change: c.2620A>T on transcript NM_173651.4 (MANE Select); coding-DNA position 2620, A replaced by T.
Protein change: p.Ser874Cys; replaces serine 874 with cysteine.
Molecular consequence: missense variant.
Genome position (GRCh38, 1-based): chr2:185,789,756, A>T. VCF-style: chr2-185789756-A-T. GRCh37 (hg19) VCF-style: chr2-186654483-A-T.
Other names: short protein forms S874C.
Identifiers: ClinVar variation 1048893 (VCV001048893.1), dbSNP rs753495425, ClinGen allele CA61748561.

ClinVar aggregate classification (germline): Uncertain significance (0 of 4 stars; one submission).

Allele frequency attached by ClinVar (database versions not stated): TOPMed 0.00001; gnomAD 0.00002; gnomAD exomes 0.00004.
gnomAD v4.1: 51 of 1,534,342 alleles (0.0033%); highest among the groups gnomAD compares: Non-Finnish European, 0.0044%; no homozygotes.

Submission:

Department of Pathology and Laboratory Medicine, Sinai Health System
Classification: Uncertain significance. Review status: no assertion criteria provided. Collection method: clinical testing. Allele origin: unknown. Affected: yes. Study: The Canadian Open Genetics Repository (COGR).
Comment: The FSIP2 p.Ser874Cys variant was not identified in the literature nor was it identified in ClinVar or LOVD 3.0. The variant was identified in dbSNP (ID: rs753495425) and in control databases in 1 of 31320 chromosomes at a frequency of 0.00003193 (Genome Aggregation Database March 6, 2019, v2.1.1). The variant was observed in the African population in 1 of 8714 chromosomes (freq: 0.000115), but was not observed in the Latino, Ashkenazi Jewish, East Asian, European (Finnish), European (non-Finnish), Other, or South Asian populations. The p.Ser874 residue is not conserved in mammals and computational analyses (PolyPhen-2, SIFT, AlignGVGD, BLOSUM, MutationTaster) provide inconsistent predictions regarding the impact to the protein; this information is not very predictive of pathogenicity. The variant occurs outside of the splicing consensus sequence and in silico or computational prediction software programs (SpliceSiteFinder, MaxEntScan, NNSPLICE, GeneSplicer) do not predict a difference in splicing. In summary, based on the above information the clinical significance of this variant cannot be determined with certainty at this time. This variant is classified as a variant of uncertain significance.